The following is an entry in ClinVar:

NM_017780.4(CHD7):c.1663C>A (p.Gln555Lys)

Gene: CHD7 (chromodomain helicase DNA binding protein 7; plus strand). Cytogenetic location: 8q12.2.
Variant type: single nucleotide variant.
Coding change: c.1663C>A on transcript NM_017780.4 (MANE Select); coding-DNA position 1663, C replaced by A.
Protein change: p.Gln555Lys; replaces glutamine 555 with lysine.
Molecular consequence: missense variant.
Genome position (GRCh38, 1-based): chr8:60,743,095, C>A. VCF-style: chr8-60743095-C-A. GRCh37 (hg19) VCF-style: chr8-61655654-C-A.
Other names: c.1663C>A (NM_017780.3); c.1663C>A, p.Gln555Lys (NM_001316690.1); short protein forms Q555K.
Identifiers: ClinVar variation 1422198 (VCV001422198.9), dbSNP rs200024753, ClinGen allele CA4759528.
Genomic context (GRCh38, chr8:60,743,095, plus strand): 5'-CAGCCTTGGGCACAGCTCCACCCATCACCCCAGAACACCCCGCAGAAAGTGCCTGTGCAT[C>A]AGGTAAGGGGACACAGAGCCTACCTCTGCATTGCAGTGTGAAATTCAACATGGCTAACTT-3'
Protein context (NP_060250.2, residues 545-565): QNTPQKVPVH[Gln555Lys]HSPSEPFLEK

ClinVar aggregate classification (germline): Uncertain significance. Review status: criteria provided, multiple submitters, no conflicts (2 of 4 stars). 2 submissions from 2 submitters: Uncertain significance (2). Last evaluated 2025-10-25.

Conditions:
CHARGE syndrome (CHARGE). Also called: Coloboma, heart anomaly, choanal atresia, retardation, genital and ear anomalies; CHARGE association; Hall-Hittner syndrome; Hittner Hirsch Kreh syndrome; CHARGE ASSOCIATION--COLOBOMA, HEART ANOMALY, CHOANAL ATRESIA, RETARDATION, GENITAL AND EAR ANOMALIES. Identifiers: Orphanet 138, MedGen C0265354, MONDO:0008965.
Inborn genetic diseases. Identifiers: MedGen C0950123, MeSH D030342.

Allele frequency attached by ClinVar (database versions not stated): gnomAD exomes below 0.00001 and 0.00004; TOPMed 0.00002; gnomAD 0.00004.
gnomAD v4.1: 60 of 1,612,038 alleles (0.0037%); highest among the groups gnomAD compares: Non-Finnish European, 0.0047%; no homozygotes.

Submissions (2):

Labcorp Genetics (formerly Invitae), Labcorp
Classification: Uncertain significance for CHARGE syndrome. Last evaluated: 2025-10-25. Review status: criteria provided, single submitter. Criteria: Invitae Variant Classification Sherloc (09022015). Collection method: clinical testing. Allele origin: germline.
Comment: This sequence change replaces glutamine, which is neutral and polar, with lysine, which is basic and polar, at codon 555 of the CHD7 protein (p.Gln555Lys). The frequency data for this variant in the population databases is considered unreliable, as metrics indicate poor data quality at this position in the gnomAD database. This variant has not been reported in the literature in individuals affected with CHD7-related conditions. ClinVar contains an entry for this variant (Variation ID: 1422198). An algorithm developed to predict the effect of missense changes on protein structure and function (PolyPhen-2) suggests that this variant is likely to be tolerated. In summary, the available evidence is currently insufficient to determine the role of this variant in disease. Therefore, it has been classified as a Variant of Uncertain Significance.

Ambry Genetics
Classification: Uncertain significance for Inborn genetic diseases. Last evaluated: 2024-04-29. Review status: criteria provided, single submitter. Criteria: Ambry Variant Classification Scheme 2023. Collection method: clinical testing. Allele origin: germline.